The following is an entry in ClinVar:

NM_000535.7(PMS2):c.904-19C>T

Gene: PMS2 (PMS1 homolog 2, mismatch repair system component; minus strand). Cytogenetic location: 7p22.1.
Variant type: single nucleotide variant.
Coding change: c.904-19C>T on transcript NM_000535.7 (MANE Select); 19 bases into the intron before coding-DNA position 904, C replaced by T.
Molecular consequence: intron variant.
Genome position (GRCh38, 1-based): chr7:5,992,076, G>A on the plus strand (C>T on the coding strand, the complement: PMS2 is on the minus strand). VCF-style: chr7-5992076-G-A. GRCh37 (hg19) VCF-style: chr7-6031707-G-A.
Other names: c.586-19C>T (NM_001322008.2, NM_001322007.2); c.499-19C>T (NM_001322010.2, NM_001322004.2, NM_001322003.2 and 2 more transcripts); c.331-19C>T (NM_001322013.2); c.-30-19C>T (NM_001322012.2, NM_001322011.2); c.595-19C>T (NM_001322015.2); c.904-19C>T (NM_001322006.2, NM_001322014.2).
Identifiers: ClinVar variation 385883 (VCV000385883.2), dbSNP rs1057522355, ClinGen allele CA16605353.

ClinVar aggregate classification (germline): Likely benign. Review status: criteria provided, multiple submitters, no conflicts (2 of 4 stars). 2 submissions from 2 submitters: Likely benign (2). Last evaluated 2025-01-29.

Conditions:
Lynch syndrome 4 (LYNCH4). Also called: Hereditary non-polyposis colorectal cancer, type 4; Colorectal cancer, hereditary nonpolyposis, type 4. Identifiers: Orphanet 144, MedGen C1838333, MONDO:0013699, OMIM 614337. Disease mechanism: loss of function.

Submissions (2):

Myriad Genetics, Inc.
Classification: Likely benign for Lynch syndrome 4. Last evaluated: 2025-01-29. Review status: criteria provided, single submitter. Criteria: Myriad Autosomal Dominant, Autosomal Recessive and X-Linked Classification Criteria (2023). Collection method: clinical testing. Allele origin: unknown.
Comment: This variant is considered likely benign. This variant is intronic and is not expected to impact mRNA splicing.

GeneDx
Classification: Likely benign. Last evaluated: 2016-05-02. Review status: criteria provided, single submitter. Criteria: GeneDx Variant Classification (06012015). Collection method: clinical testing. Allele origin: germline. Affected: yes.
Comment: This variant is considered likely benign or benign based on one or more of the following criteria: it is a conservative change, it occurs at a poorly conserved position in the protein, it is predicted to be benign by multiple in silico algorithms, and/or has population frequency not consistent with disease.